The following is an entry in ClinVar:

ClinVar aggregate classification (germline): Pathogenic (3 of 4 stars; one submission).

Conditions:
Breast-ovarian cancer, familial, susceptibility to, 1 (BROVCA1). Also called: BRCA1 Hereditary Breast and Ovarian Cancer; OVARIAN CANCER, SUSCEPTIBILITY TO. Identifiers: Orphanet 145, MedGen C2676676, MONDO:0011450, OMIM 604370. Disease mechanism: loss of function.

Submission:

Evidence-based Network for the Interpretation of Germline Mutant Alleles (ENIGMA)
Classification: Pathogenic for Breast-ovarian cancer, familial, susceptibility to, 1. Last evaluated: 2017-12-15. Review status: reviewed by expert panel. Criteria: ENIGMA BRCA1/2 Classification Criteria (2017-06-29). Collection method: curation. Allele origin: germline. Study: ENIGMA.
Comment: Variant allele predicted to encode a truncated non-functional protein.

NM_007294.4(BRCA1):c.2557_2558insTTCACTTTTC (p.Asp853fs)

Gene: BRCA1 (BRCA1 DNA repair associated; minus strand). Cytogenetic location: 17q21.31.
Variant type: Insertion.
Coding change: c.2557_2558insTTCACTTTTC on transcript NM_007294.4 (MANE Select); coding-DNA positions 2557 to 2558, TTCACTTTTC inserted.
Protein change: p.Asp853fs; shifts the reading frame from aspartic acid 853.
Molecular consequence: frameshift variant. On other transcripts: intron variant (137).
Genome position: GRCh38 VCF-style: chr17-43092973-T-TGAAAAGTGAA. GRCh37 (hg19) VCF-style: chr17-41244990-T-TGAAAAGTGAA.
Other names: c.2431_2432insTTCACTTTTC, p.Asp811fs (NM_001407691.1, NM_001407940.1, NM_001407941.1 and 11 more transcripts); c.2416_2417insTTCACTTTTC, p.Asp806fs (NM_001407692.1, NM_001407694.1, NM_001407695.1 and 29 more transcripts); c.2413_2414insTTCACTTTTC, p.Asp805fs (NM_001407740.1, NM_001407741.1, NM_001407742.1 and 20 more transcripts); c.2344_2345insTTCACTTTTC, p.Asp782fs (NM_001407853.1, NM_001407894.1, NM_001407895.1 and 9 more transcripts); c.2557_2558insTTCACTTTTC, p.Asp853fs (NM_001407854.1, NM_001407858.1, NM_001407859.1 and 30 more transcripts); c.2554_2555insTTCACTTTTC, p.Asp852fs (NM_001407860.1, NM_001407861.1, NM_001407587.1 and 22 more transcripts); c.2356_2357insTTCACTTTTC, p.Asp786fs (NM_001407862.1); c.2434_2435insTTCACTTTTC, p.Asp812fs (NM_001407863.1, NM_001407919.1, NM_001407937.1 and 19 more transcripts); and 41 more; short protein forms D806fs, D853fs, D764fs, D765fs, D785fs, D805fs, D812fs, D741fs.
Identifiers: ClinVar variation 548157 (VCV000548157.3), dbSNP rs1555589410, ClinGen allele CA658824003.
Genomic context (GRCh38, chr17:43,092,973, plus strand): 5'-GAAAACGGAGCAAATGACTGGCGCTTTGAAACCTTGAATGTATTCTGCAAATACTGAGCA[T>TGAAAAGTGAA]CAAGTTCACTTTCTTCCATTTCTATGCTTGTTTCCCGACTGTGGTTAACTTCATGTCCCA-3'